The following is an entry in ClinVar:

NM_001376.5(DYNC1H1):c.6122T>C (p.Met2041Thr)

Gene: DYNC1H1 (dynein cytoplasmic 1 heavy chain 1; plus strand). Cytogenetic location: 14q32.31.
Variant type: single nucleotide variant.
Coding change: c.6122T>C on transcript NM_001376.5 (MANE Select); coding-DNA position 6122, T replaced by C.
Protein change: p.Met2041Thr; replaces methionine 2041 with threonine.
Molecular consequence: missense variant.
Genome position (GRCh38, 1-based): chr14:102,009,987, T>C. VCF-style: chr14-102009987-T-C. GRCh37 (hg19) VCF-style: chr14-102476324-T-C.
Other names: short protein forms M2041T.
Identifiers: ClinVar variation 434987 (VCV000434987.8), dbSNP rs1555409836, ClinGen allele CA391053203.

ClinVar aggregate classification (germline): Likely pathogenic. Review status: criteria provided, multiple submitters, no conflicts (2 of 4 stars). 2 submissions from 2 submitters: Likely pathogenic (2). Last evaluated 2019-05-21.

Conditions:
Cortical dysplasia, complex, with other brain malformations 13. Also called: Intellectual disability, autosomal dominant 13. Identifiers: MedGen C3281202, MONDO:0013805, OMIM 614563.

Submissions (2):

Equipe Genetique des Anomalies du Developpement, Université de Bourgogne
Classification: Likely pathogenic for Cortical dysplasia, complex, with other brain malformations 13. Last evaluated: 2019-05-21. Review status: criteria provided, single submitter. Criteria: ACMG Guidelines, 2015. Collection method: clinical testing. Allele origin: paternal. Affected: yes.

Genetic Services Laboratory, University of Chicago
Classification: Likely pathogenic for Mental retardation, autosomal dominant 13. Last evaluated: 2015-09-21. Review status: criteria provided, single submitter. Criteria: ACMG Guidelines, 2015. Collection method: clinical testing. Allele origin: germline. Affected: yes.